The following is an entry in ClinVar:

ClinVar aggregate classification (germline): Uncertain significance (1 of 4 stars; one submission).

Allele frequency attached by ClinVar (database versions not stated): gnomAD exomes below 0.00001.
gnomAD v4.1: 2 of 1,614,082 alleles (0.00012%); highest among the groups gnomAD compares: South Asian, 0.0011%; no homozygotes.

Submission:

Labcorp Genetics (formerly Invitae), Labcorp
Classification: Uncertain significance. Last evaluated: 2023-05-10. Review status: criteria provided, single submitter. Criteria: Invitae Variant Classification Sherloc (09022015). Collection method: clinical testing. Allele origin: germline.
Comment: In summary, the available evidence is currently insufficient to determine the role of this variant in disease. Therefore, it has been classified as a Variant of Uncertain Significance. Advanced modeling of protein sequence and biophysical properties (such as structural, functional, and spatial information, amino acid conservation, physicochemical variation, residue mobility, and thermodynamic stability) has been performed at Invitae for this missense variant, however the output from this modeling did not meet the statistical confidence thresholds required to predict the impact of this variant on ACO2 protein function. ClinVar contains an entry for this variant (Variation ID: 1409161). This variant has not been reported in the literature in individuals affected with ACO2-related conditions. This variant is not present in population databases (gnomAD no frequency). This sequence change replaces glycine, which is neutral and non-polar, with arginine, which is basic and polar, at codon 540 of the ACO2 protein (p.Gly540Arg).

NM_001098.3(ACO2):c.1618G>A (p.Gly540Arg)

Genes: ACO2 (aconitase 2; plus strand), LOC130067544 (ATAC-STARR-seq lymphoblastoid active region 19118; plus strand). Cytogenetic location: 22q13.2.
Variant type: single nucleotide variant.
Coding change: c.1618G>A on transcript NM_001098.3 (MANE Select); coding-DNA position 1618, G replaced by A.
Protein change: p.Gly540Arg; replaces glycine 540 with arginine.
Molecular consequence: missense variant.
Genome position (GRCh38, 1-based): chr22:41,525,205, G>A. VCF-style: chr22-41525205-G-A. GRCh37 (hg19) VCF-style: chr22-41921209-G-A.
Other names: short protein forms G540R.
Identifiers: ClinVar variation 1409161 (VCV001409161.6), dbSNP rs2146139889, ClinGen allele CA411727567.